The following is an entry in ClinVar:

NM_033380.3(COL4A5):c.3554-3C>G

Gene: COL4A5 (collagen type IV alpha 5 chain; plus strand). Cytogenetic location: Xq22.3.
Variant type: single nucleotide variant.
Coding change: c.3554-3C>G on transcript NM_033380.3 (MANE Select); 3 bases into the intron before coding-DNA position 3554, C replaced by G.
Molecular consequence: intron variant.
Genome position (GRCh38, 1-based): chrX:108,667,130, C>G. VCF-style: chrX-108667130-C-G. GRCh37 (hg19) VCF-style: chrX-107910360-C-G.
Other names: c.3554-3C>G (NM_000495.5, NM_000495.4).
Identifiers: ClinVar variation 2633926 (VCV002633926.1), dbSNP rs104886382, ClinGen allele CA258895.
Genomic context (GRCh38, chrX:108,667,130, plus strand): 5'-GCCTTGTTTCAGTTTGTATTATCCACTTGAGTTTTTGTTTTGTTTTGTTTTGTACTCTGA[C>G]AGGTCAACCAGGCTTTGGAAACCCAGGACCCCCTGGACTTCCAGGACTTTCTGGTAAACC-3'

ClinVar aggregate classification (germline): Likely pathogenic (1 of 4 stars; one submission).

Conditions:
COL4A5-related disorder. Also called: COL4A5-related condition.

Submission:

PreventionGenetics, part of Exact Sciences
Classification: Likely pathogenic for COL4A5-related condition. Last evaluated: 2023-10-12. Review status: criteria provided, single submitter. Criteria: ACMG Guidelines, 2015. Collection method: clinical testing. Allele origin: germline.
Comment: The COL4A5 c.3554-3C>G variant is predicted to interfere with splicing. This variant was reported in individuals with Alport syndrome (Reported as 3756-3C->G in Martin et al 1998. PubMed ID: 9848783; Pont-Kingdon G et al 2009. PubMed ID: 19919694). This variant has not been reported in a large population database, indicating this variant is rare. This variant is interpreted as likely pathogenic.